The following is an entry in ClinVar:

NM_024120.5(NDUFAF5):c.271C>T (p.Pro91Ser)

Gene: NDUFAF5 (NADH:ubiquinone oxidoreductase complex assembly factor 5; plus strand). Cytogenetic location: 20p12.1.
Variant type: single nucleotide variant.
Coding change: c.271C>T on transcript NM_024120.5 (MANE Select); coding-DNA position 271, C replaced by T.
Protein change: p.Pro91Ser; replaces proline 91 with serine.
Molecular consequence: missense variant. On other transcripts: 5 prime UTR variant (3), non-coding transcript variant (7).
Genome position (GRCh38, 1-based): chr20:13,788,596, C>T. VCF-style: chr20-13788596-C-T. GRCh37 (hg19) VCF-style: chr20-13769242-C-T.
Other names: c.271C>T (NM_024120.4); c.271C>T, p.Pro91Ser (NM_001039375.3, NM_001352408.2); c.-97C>T (NM_001352403.2); c.-311C>T (NM_001352406.2); c.-291C>T (NM_001352407.2); short protein forms P91S.
Identifiers: ClinVar variation 2043633 (VCV002043633.4), dbSNP rs141840218, ClinGen allele CA9767693.
Genomic context (GRCh38, chr20:13,788,596, plus strand): 5'-AATTTATAGACTGTGTTATGGACAGAGCATAACCTCTGTGTCTTTTTTTTTAGAAATTTC[C>T]CCCTTGCTTTGGATCTTGGTTGTGGAAGAGGTTACATTGCACAATATTTGAATAAGGTAT-3'
Protein context (NP_077025.2, residues 81-101): DRVYDIPRNF[Pro91Ser]LALDLGCGRG

ClinVar aggregate classification (germline): Uncertain significance. Review status: criteria provided, multiple submitters, no conflicts (2 of 4 stars). 2 submissions from 2 submitters: Uncertain significance (2). Last evaluated 2024-10-15.

Conditions:
Inborn genetic diseases. Identifiers: MedGen C0950123, MeSH D030342.

Allele frequency attached by ClinVar (database versions not stated): gnomAD 0.00007; ESP Exome Variant Server 0.00008; 1000 Genomes Project 0.00040; ExAC 0.00002; TOPMed 0.00012; 1000 Genomes Project 30x 0.00062.
gnomAD v4.1: 23 of 1,611,010 alleles (0.0014%); highest among the groups gnomAD compares: African/African-American, 0.028%; no homozygotes.

Submissions (2):

Labcorp Genetics (formerly Invitae), Labcorp
Classification: Uncertain significance. Last evaluated: 2024-10-15. Review status: criteria provided, single submitter. Criteria: Invitae Variant Classification Sherloc (09022015). Collection method: clinical testing. Allele origin: germline.
Comment: This sequence change replaces proline, which is neutral and non-polar, with serine, which is neutral and polar, at codon 91 of the NDUFAF5 protein (p.Pro91Ser). This variant is present in population databases (rs141840218, gnomAD 0.03%). This variant has not been reported in the literature in individuals affected with NDUFAF5-related conditions. ClinVar contains an entry for this variant (Variation ID: 2043633). An algorithm developed to predict the effect of missense changes on protein structure and function outputs the following: PolyPhen-2: "Benign". The serine amino acid residue is found in multiple mammalian species, which suggests that this missense change does not adversely affect protein function. In summary, the available evidence is currently insufficient to determine the role of this variant in disease. Therefore, it has been classified as a Variant of Uncertain Significance.

Ambry Genetics
Classification: Uncertain significance for Inborn genetic diseases. Last evaluated: 2023-10-05. Review status: criteria provided, single submitter. Criteria: Ambry Variant Classification Scheme 2023. Collection method: clinical testing. Allele origin: germline.